The following is an entry in ClinVar:

ClinVar aggregate classification (germline): Uncertain significance (1 of 4 stars; one submission).

Conditions:
Acromesomelic dysplasia 3 (AMD3). Also called: CHONDRODYSPLASIA, ACROMESOMELIC, WITH OR WITHOUT GENITAL ANOMALIES; Acromesomelic dysplasia, Demirhan type. Identifiers: MedGen C4225404, MONDO:0012274, OMIM 609441.
Type A2 brachydactyly (BDA2). Also called: MOHR-WRIEDT TYPE BRACHYDACTYLY; BRACHYMESOPHALANGY II; Brachymesophalangy type 2. Identifiers: Orphanet 93396, MedGen C1832702, MONDO:0007216, OMIM 112600, HP:0009372.

gnomAD v4.1: 15 of 1,613,454 alleles (0.00093%); highest among the groups gnomAD compares: Non-Finnish European, 0.0013%; no homozygotes.

Submission:

Labcorp Genetics (formerly Invitae), Labcorp
Classification: Uncertain significance for Type A2 brachydactyly; Acromesomelic dysplasia 3. Last evaluated: 2024-04-09. Review status: criteria provided, single submitter. Criteria: Invitae Variant Classification Sherloc (09022015). Collection method: clinical testing. Allele origin: germline.
Comment: This sequence change replaces glutamic acid, which is acidic and polar, with aspartic acid, which is acidic and polar, at codon 19 of the BMPR1B protein (p.Glu19Asp). This variant is present in population databases (rs773850751, gnomAD 0.0009%). This variant has not been reported in the literature in individuals affected with BMPR1B-related conditions. Advanced modeling of protein sequence and biophysical properties (such as structural, functional, and spatial information, amino acid conservation, physicochemical variation, residue mobility, and thermodynamic stability) performed at Invitae indicates that this missense variant is not expected to disrupt BMPR1B protein function with a negative predictive value of 95%. In summary, the available evidence is currently insufficient to determine the role of this variant in disease. Therefore, it has been classified as a Variant of Uncertain Significance.

NM_001203.3(BMPR1B):c.57G>C (p.Glu19Asp)

Gene: BMPR1B (bone morphogenetic protein receptor type 1B; plus strand). Cytogenetic location: 4q22.3.
Variant type: single nucleotide variant.
Coding change: c.57G>C on transcript NM_001203.3 (MANE Select); coding-DNA position 57, G replaced by C.
Protein change: p.Glu19Asp; replaces glutamic acid 19 with aspartic acid.
Molecular consequence: missense variant.
Genome position (GRCh38, 1-based): chr4:95,104,481, G>C. VCF-style: chr4-95104481-G-C. GRCh37 (hg19) VCF-style: chr4-96025632-G-C.
Other names: c.57G>C, p.Glu19Asp (NM_001256792.2, NM_001256794.1); c.147G>C, p.Glu49Asp (NM_001256793.2); short protein forms E19D, E49D.
Identifiers: ClinVar variation 3751943 (VCV003751943.2).